The following is an entry in ClinVar:

NM_017999.5(RNF31):c.998G>A (p.Gly333Glu)

Gene: RNF31 (ring finger protein 31; plus strand). Cytogenetic location: 14q12.
Variant type: single nucleotide variant.
Coding change: c.998G>A on transcript NM_017999.5 (MANE Select); coding-DNA position 998, G replaced by A.
Protein change: p.Gly333Glu; replaces glycine 333 with glutamic acid.
Molecular consequence: missense variant.
Genome position (GRCh38, 1-based): chr14:24,150,249, G>A. VCF-style: chr14-24150249-G-A. GRCh37 (hg19) VCF-style: chr14-24619458-G-A.
Other names: c.545G>A, p.Gly182Glu (NM_001310332.2); c.998G>A (NM_017999.4); short protein forms G182E, G333E.
Identifiers: ClinVar variation 1523940 (VCV001523940.9), dbSNP rs755851267, ClinGen allele CA257872343.
Genomic context (GRCh38, chr14:24,150,249, plus strand): 5'-ATGAGCCTTGGGCAGTGCTCTGTGTGGCCTGTGATCGGCCCCGAGGCTGTAAGGGGTTGG[G>A]GTTGGGAACTGAGGGTCCCCAAGGAACTGGAGGCCTAGAACCTGATCTTGCACGGGGTCG-3'
Protein context (NP_060469.4, residues 323-343): CDRPRGCKGL[Gly333Glu]LGTEGPQGTG

ClinVar aggregate classification (germline): Uncertain significance. Review status: criteria provided, multiple submitters, no conflicts (2 of 4 stars). 2 submissions from 2 submitters: Uncertain significance (2). Last evaluated 2026-03-30.

Conditions:
RNF31-related disorder. Also called: RNF31-related condition.

Submissions (2):

PreventionGenetics, part of Exact Sciences
Classification: Uncertain significance for RNF31-related condition. Last evaluated: 2026-03-30. Review status: criteria provided, single submitter. Criteria: ACMG Guidelines, 2015. Collection method: clinical testing. Allele origin: germline.
Comment: The RNF31 c.998G>A variant is predicted to result in the amino acid substitution p.Gly333Glu. To our knowledge, this variant has not been reported in the literature or in a large population database (gnomAD), indicating this variant is rare. At this time, the clinical significance of this variant is uncertain due to the absence of conclusive functional and genetic evidence.

Labcorp Genetics (formerly Invitae), Labcorp
Classification: Uncertain significance. Last evaluated: 2025-12-15. Review status: criteria provided, single submitter. Criteria: Invitae Variant Classification Sherloc (09022015). Collection method: clinical testing. Allele origin: germline.
Comment: This sequence change replaces glycine, which is neutral and non-polar, with glutamic acid, which is acidic and polar, at codon 333 of the RNF31 protein (p.Gly333Glu). This variant is not present in population databases (gnomAD no frequency). This variant has not been reported in the literature in individuals affected with RNF31-related conditions. ClinVar contains an entry for this variant (Variation ID: 1523940). An algorithm developed to predict the effect of missense changes on protein structure and function (PolyPhen-2) suggests that this variant is likely to be tolerated. In summary, the available evidence is currently insufficient to determine the role of this variant in disease. Therefore, it has been classified as a Variant of Uncertain Significance.